The following is an entry in ClinVar:

ClinVar aggregate classification (germline): Benign/Likely benign. Review status: criteria provided, multiple submitters, no conflicts (2 of 4 stars). 10 submissions from 10 submitters: Benign (9); Likely benign (1). Last evaluated 2026-02-04.

Conditions:
Hereditary cancer-predisposing syndrome. Also called: Tumor predisposition; Neoplastic Syndromes, Hereditary; Hereditary neoplastic syndrome; Hereditary Cancer Syndrome. Identifiers: Orphanet 140162, MedGen C0027672, MeSH D009386, MONDO:0015356.
Gastrointestinal stromal tumor. Also called: Gastrointestinal stromal tumor, somatic; Gastrointestinal stroma tumor. Identifiers: Orphanet 44890, MedGen C0238198, MeSH D046152, MONDO:0011719, OMIM 606764, HP:0100723.
Pheochromocytoma/paraganglioma syndrome 3. Also called: GLOMUS TUMORS, FAMILIAL, 3; SDHC-Related Hereditary Paraganglioma-Pheochromocytoma Syndrome (Paragangliomas 3); SDHC-Related Hereditary Paraganglioma-Pheochromocytoma Syndrome; Paragangliomas 3. Identifiers: Orphanet 29072, MedGen C1854336, MONDO:0011544, OMIM 605373.

Submissions (10):

Labcorp Genetics (formerly Invitae), Labcorp
Classification: Benign for Pheochromocytoma/paraganglioma syndrome 3; Gastrointestinal stromal tumor. Last evaluated: 2026-02-04. Review status: criteria provided, single submitter. Criteria: Invitae Variant Classification Sherloc (09022015). Collection method: clinical testing. Allele origin: germline.

ARUP Laboratories, Molecular Genetics and Genomics, ARUP Laboratories
Classification: Benign. Last evaluated: 2025-07-23. Review status: criteria provided, single submitter. Criteria: ARUP Molecular Germline Variant Investigation Process 2024. Collection method: clinical testing. Allele origin: germline.

Hereditary Cancer Laboratory, Hospital Universitario 12 de Octubre
Classification: Benign for Hereditary cancer-predisposing syndrome. Last evaluated: 2025-01-08. Review status: criteria provided, single submitter. Criteria: ACMG Guidelines, 2015. Collection method: clinical testing. Allele origin: germline.
Comment: BA1+BP6

Blueprint Genetics
Classification: Likely benign. Last evaluated: 2024-11-26. Review status: criteria provided, single submitter. Criteria: ACMG Guidelines, 2015. Collection method: clinical testing. Allele origin: germline.

Mayo Clinic Laboratories, Mayo Clinic
Classification: Benign. Last evaluated: 2018-10-26. Review status: criteria provided, single submitter. Criteria: ACMG Guidelines, 2015. Collection method: clinical testing. Allele origin: germline. Observed: 107 variant alleles.

GeneDx
Classification: Benign. Last evaluated: 2018-09-25. Review status: criteria provided, single submitter. Criteria: GeneDx Variant Classification Process June 2021. Collection method: clinical testing. Allele origin: germline. Affected: yes.

Women's Health and Genetics/Laboratory Corporation of America, LabCorp
Classification: Benign. Last evaluated: 2016-05-25. Review status: criteria provided, single submitter. Criteria: LabCorp Variant Classification Summary - May 2015. Collection method: clinical testing. Allele origin: germline.
Comment: Variant summary: The SDHC c.20+11_20+12dupTG is an intronic variant at a position not widely known to affect splicing. One in silico tool (MutationTaster) predicts a damaging outcome for this variant. 4/5 splice prediction tools predict no significant change to the normal splicing. This variant was found in 12727/120920 control chromosomes (including 891 homozygotes) at a frequency of 0.1052514, which is approximately 673609 times the estimated maximal expected allele frequency of a pathogenic SDHC variant (0.0000002), suggesting this variant is a common benign polymorphism. In addition, one clinical diagnostic laboratory classified this variant as benign. Taken together, based on the allele frequency in the general population, this variant is classified as Benign.

Ambry Genetics
Classification: Benign for Hereditary cancer-predisposing syndrome. Last evaluated: 2015-07-08. Review status: criteria provided, single submitter. Criteria: Ambry General Variant Classification Scheme_2022. Collection method: clinical testing. Allele origin: germline. Observed: 1 variant allele.

Laboratory for Molecular Medicine, Mass General Brigham Personalized Medicine
Classification: Benign. Last evaluated: 2013-11-05. Review status: criteria provided, single submitter. Criteria: LMM Criteria. Collection method: clinical testing. Allele origin: germline. Observed: 5 variant alleles.
Comment: 20+11_20+12dupTG in intron 1 of SDHC: This variant has been identified in 15% ( 63/420) of patients with hereditary paraganglioma and in 6% (11/200) of controls (Burnichon 2009). This variant is also annotated as a common polymorphism in db SNP and but has been identified in 6% (516/8254) of European American chromosome s and 21% (889/4266) of African American chromosomes by the NHLBI Exome Sequenci ng Project (dbSNP rs27118366). This variant i s located in the 5' splice region and computational tools do not suggest an impa ct to splicing. However, this information is not predictive enough to rule out p athogenicity. In summary, these data support that the 20+11_20+12dupTG variant i s benign based on frequency data.

PreventionGenetics, part of Exact Sciences
Classification: Benign. Review status: criteria provided, single submitter. Criteria: ACMG Guidelines, 2015. Collection method: clinical testing. Allele origin: germline.

Literature cited by the submitters: PubMed 19454582 (cited by Laboratory for Molecular Medicine, Mass General Brigham Personalized Medicine).

NM_003001.3(SDHC):c.20+11_20+12dup

Gene: SDHC (succinate dehydrogenase complex subunit C; plus strand). Cytogenetic location: 1q23.3.
Variant type: Duplication.
Coding change: c.20+11_20+12dup on transcript NM_003001.3; bases 11 to 12 of the intron after coding-DNA position 20, 2 bases duplicated (TG; older notation c.20+11_20+12dupTG).
Molecular consequence: intron variant (on NM_003001.5). On other transcripts: 5 prime UTR variant (1).
Genome position (GRCh38, 1-based): chr1:161,314,436-161,314,437, TG duplicated; duplicating any 2 consecutive bases within chr1:161,314,435-161,314,437 gives the same sequence; the c. name uses the placement nearest the transcript's 3' end. VCF-style (leftmost placement, unchanged base first): chr1-161314434-A-AGT. GRCh37 (hg19) VCF-style: chr1-161284224-A-AGT.
Other names: p.?; c.20+11_20+12dupTG (NM_003001.3); c.-530_-529dup (NM_001407119.1); c.-210+11_-210+12dup (NM_001407120.1); c.20+11_20+12dup (NM_001407115.1, NM_003001.5, NM_001035511.3 and 7 more transcripts).
Identifiers: ClinVar variation 44647 (VCV000044647.34), dbSNP rs35215598, ClinGen allele CA134782.